The following is an entry in ClinVar:

ClinVar aggregate classification (germline): Uncertain significance (1 of 4 stars; one submission).

Conditions:
Long QT syndrome (LQTS). Identifiers: MedGen C0023976, MeSH D008133, MONDO:0002442. Disease mechanism: loss of function. Inheritance: Various modes of inheritance.

Submission:

Labcorp Genetics (formerly Invitae), Labcorp
Classification: Uncertain significance for Long QT syndrome. Last evaluated: 2021-09-19. Review status: criteria provided, single submitter. Criteria: Invitae Variant Classification Sherloc (09022015). Collection method: clinical testing. Allele origin: germline.
Comment: This sequence change creates a premature translational stop signal (p.Gln2919*) in the AKAP9 gene. It is expected to result in an absent or disrupted protein product. However, the current clinical and genetic evidence is not sufficient to establish whether loss-of-function variants in AKAP9 cause disease. This variant is not present in population databases (ExAC no frequency). This variant has not been reported in the literature in individuals affected with AKAP9-related conditions. In summary, the available evidence is currently insufficient to determine the role of this variant in disease. Therefore, it has been classified as a Variant of Uncertain Significance.

NM_005751.5(AKAP9):c.8755C>T (p.Gln2919Ter)

Gene: AKAP9 (A-kinase anchoring protein 9; plus strand). Cytogenetic location: 7q21.2.
Variant type: single nucleotide variant.
Coding change: c.8755C>T on transcript NM_005751.5 (MANE Select); coding-DNA position 8755, C replaced by T.
Protein change: p.Gln2919Ter; replaces glutamine 2919 with a stop codon.
Molecular consequence: nonsense.
Genome position (GRCh38, 1-based): chr7:92,084,863, C>T. VCF-style: chr7-92084863-C-T. GRCh37 (hg19) VCF-style: chr7-91714177-C-T.
Other names: c.3400C>T, p.Gln1134Ter (NM_001379277.1); c.8731C>T, p.Gln2911Ter (NM_147185.3); short protein forms Q2911*, Q2919*, Q1134*.
Identifiers: ClinVar variation 1464522 (VCV001464522.6), dbSNP rs1197135606, ClinGen allele CA368141327.